The following is an entry in ClinVar:

ClinVar aggregate classification (germline): Likely pathogenic (1 of 4 stars; one submission).

Conditions:
Zellweger spectrum disorders (ZS). Also called: Zellweger syndrome; Zellweger Spectrum Disorder; Zellweger Spectrum; Zellweger Spectrum Disorder (ZSD). Identifiers: Orphanet 912, MedGen C0043459, MONDO:0019609.

Submission:

Natera, Inc.
Classification: Likely pathogenic for Zellweger syndrome. Last evaluated: 2025-02-10. Review status: criteria provided, single submitter. Criteria: Natera Variant Classification Schema (03/2026). Collection method: clinical testing. Allele origin: germline.
Comment: The c.2909G>C variant in PEX1 is a missense variant predicted to cause substitution of glycine to alanine at amino acid 970. This variant is rare in the general population with a frequency below the threshold expected for the associated phenotype(s). This variant has been observed in one or more individuals affected with the associated recessive disease, as either homozygous or compound heterozygous with a second variant (PMID: 33955040). This variant has been identified in one or more affected individuals with a phenotype highly consistent with the associated gene (PMID: 33955040). Computational prediction algorithms indicate this variant is likely to affect gene or protein function. Given the available evidence, this variant is classified as Likely Pathogenic.

Literature cited by the submitters: PubMed 33955040.

NM_000466.3(PEX1):c.2909G>C (p.Gly970Ala)

Genes: GATAD1 (GATA zinc finger domain containing 1; plus strand), PEX1 (peroxisomal biogenesis factor 1; minus strand). Cytogenetic location: 7q21.2.
Variant type: single nucleotide variant.
Coding change: c.2909G>C on transcript NM_000466.3 (MANE Select); coding-DNA position 2909, G replaced by C.
Protein change: p.Gly970Ala; replaces glycine 970 with alanine.
Molecular consequence: missense variant.
Genome position (GRCh38, 1-based): chr7:92,494,504, C>G on the plus strand (G>C on the coding strand, the complement: PEX1 is on the minus strand). VCF-style: chr7-92494504-C-G. GRCh37 (hg19) VCF-style: chr7-92123818-C-G.
Other names: c.2738G>C, p.Gly913Ala (NM_001282677.2); c.2285G>C, p.Gly762Ala (NM_001282678.2); short protein forms G762A, G913A, G970A.
Identifiers: ClinVar variation 4059561 (VCV004059561.2).
Genomic context (GRCh38, chr7:92,494,504, plus strand): 5'-ACATTTTGTTATAACATTCTATTTCTGTATTTATAATTATTACCCTGTAAGCCTTCTACT[C>G]CATCCAACTGAGTCAGCAACTGGTTAACTACTCGGTCTGTAACTCCTGTATTATCATGAC-3'
Protein context (NP_000457.1, residues 960-980): VVNQLLTQLD[Gly970Ala]VEGLQGVYVL